The following is an entry in ClinVar:

NM_005422.4(TECTA):c.4788C>T (p.Ile1596=)

Genes: TBCEL-TECTA (TBCEL-TECTA readthrough; plus strand), TECTA (tectorin alpha; plus strand). Cytogenetic location: 11q23.3.
Variant type: single nucleotide variant.
Coding change: c.4788C>T on transcript NM_005422.4 (MANE Select); coding-DNA position 4788, C replaced by T.
Protein change: p.Ile1596=; no amino-acid change (isoleucine 1596 retained).
Molecular consequence: synonymous variant.
Genome position (GRCh38, 1-based): chr11:121,160,233, C>T. VCF-style: chr11-121160233-C-T. GRCh37 (hg19) VCF-style: chr11-121030942-C-T.
Other names: c.5745C>T, p.Ile1915= (NM_001378761.1).
Identifiers: ClinVar variation 165367 (VCV000165367.17), dbSNP rs150561147, ClinGen allele CA178108.
Genomic context (GRCh38, chr11:121,160,233, plus strand): 5'-TTTGGCAACCAAAATCTACAGCAGTGAGGGGTTTCTGGTGATTGACACCAGCCCAGACAT[C>T]CAGATATACTACAATGGTTTCAACGTCATTAAAATCAGCATCAGCGAGAGGCTGCAGAAC-3'
Protein context (NP_005413.2, residues 1586-1606): GFLVIDTSPD[Ile1596=]QIYYNGFNVI

ClinVar aggregate classification (germline): Benign/Likely benign. Review status: criteria provided, multiple submitters, no conflicts (2 of 4 stars). 4 submissions from 4 submitters: Benign (2); Likely benign (2). Last evaluated 2026-01-24.

Allele frequency attached by ClinVar (database versions not stated): gnomAD exomes 0.00009 and 0.00024; ExAC 0.00032; 1000 Genomes Project 30x 0.00062; 1000 Genomes Project 0.00080; gnomAD 0.00097 and 0.00103; TOPMed 0.00113; ESP Exome Variant Server 0.00138.
gnomAD v4.1: 276 of 1,614,150 alleles (0.017%); highest among the groups gnomAD compares: African/African-American, 0.33%; no homozygotes.

Submissions (4):

Labcorp Genetics (formerly Invitae), Labcorp
Classification: Benign. Last evaluated: 2026-01-24. Review status: criteria provided, single submitter. Criteria: Invitae Variant Classification Sherloc (09022015). Collection method: clinical testing. Allele origin: germline.

Blueprint Genetics
Classification: Likely benign. Last evaluated: 2024-09-02. Review status: criteria provided, single submitter. Criteria: ACMG Guidelines, 2015. Collection method: clinical testing. Allele origin: germline.

GeneDx
Classification: Likely benign. Last evaluated: 2021-02-01. Review status: criteria provided, single submitter. Criteria: GeneDx Variant Classification Process June 2021. Collection method: clinical testing. Allele origin: germline. Affected: yes.

Laboratory for Molecular Medicine, Mass General Brigham Personalized Medicine
Classification: Benign. Last evaluated: 2015-05-27. Review status: criteria provided, single submitter. Criteria: LMM Criteria. Collection method: clinical testing. Allele origin: germline. Observed: 2 variant alleles.
Comment: p.Ile1596Ile in exon 14 of TECTA: This variant is not expected to have clinical significance because it does not alter an amino acid residue and is not located within the splice consensus sequence. It has been identified in 0.4% (38/10406) of African chromosomes from a broad population by the Exome Aggregation Consorti um (ExAC; dbSNP rs150561147).